The following is an entry in ClinVar:

NM_000283.4(PDE6B):c.1865C>G (p.Ser622Cys)

Gene: PDE6B (phosphodiesterase 6B; plus strand). Cytogenetic location: 4p16.3.
Variant type: single nucleotide variant.
Coding change: c.1865C>G on transcript NM_000283.4 (MANE Select); coding-DNA position 1865, C replaced by G.
Protein change: p.Ser622Cys; replaces serine 622 with cysteine.
Molecular consequence: missense variant.
Genome position (GRCh38, 1-based): chr4:663,132, C>G. VCF-style: chr4-663132-C-G. GRCh37 (hg19) VCF-style: chr4-656921-C-G.
Other names: c.1865C>G, p.Ser622Cys (NM_001145291.2); c.1028C>G, p.Ser343Cys (NM_001145292.2, NM_001350154.3, NM_001379246.1 and 1 more transcripts); c.710C>G, p.Ser237Cys (NM_001350155.3); short protein forms S237C, S343C, S622C.
Identifiers: ClinVar variation 1307226 (VCV001307226.7), dbSNP rs373925141, ClinGen allele CA91089440.

ClinVar aggregate classification (germline): Uncertain significance. Review status: criteria provided, multiple submitters, no conflicts (2 of 4 stars). 3 submissions from 3 submitters: Uncertain significance (3). Last evaluated 2022-10-13.

Conditions:
Inborn genetic diseases. Identifiers: MedGen C0950123, MeSH D030342.

Allele frequency attached by ClinVar (database versions not stated): gnomAD 0.00001; ESP Exome Variant Server 0.00008.
gnomAD v4.1: 10 of 1,612,484 alleles (0.00062%); highest among the groups gnomAD compares: Non-Finnish European, 0.00076%; no homozygotes.

Submissions (3):

Labcorp Genetics (formerly Invitae), Labcorp
Classification: Uncertain significance. Last evaluated: 2022-10-13. Review status: criteria provided, single submitter. Criteria: Invitae Variant Classification Sherloc (09022015). Collection method: clinical testing. Allele origin: germline.
Comment: This sequence change replaces serine, which is neutral and polar, with cysteine, which is neutral and slightly polar, at codon 622 of the PDE6B protein (p.Ser622Cys). This variant is not present in population databases (gnomAD no frequency). This variant has not been reported in the literature in individuals affected with PDE6B-related conditions. ClinVar contains an entry for this variant (Variation ID: 1307226). Advanced modeling of protein sequence and biophysical properties (such as structural, functional, and spatial information, amino acid conservation, physicochemical variation, residue mobility, and thermodynamic stability) performed at Invitae indicates that this missense variant is expected to disrupt PDE6B protein function. In summary, the available evidence is currently insufficient to determine the role of this variant in disease. Therefore, it has been classified as a Variant of Uncertain Significance.

Ambry Genetics
Classification: Uncertain significance for Inborn genetic diseases. Last evaluated: 2022-01-26. Review status: criteria provided, single submitter. Criteria: Ambry Variant Classification Scheme 2023. Collection method: clinical testing. Allele origin: germline.

GeneDx
Classification: Uncertain significance. Last evaluated: 2019-07-24. Review status: criteria provided, single submitter. Criteria: GeneDx Variant Classification Process June 2021. Collection method: clinical testing. Allele origin: germline. Affected: yes.
Comment: Not observed in large population cohorts (Lek et al., 2016); In silico analysis, which includes protein predictors and evolutionary conservation, supports a deleterious effect; Has not been previously published as pathogenic or benign to our knowledge